The following is an entry in ClinVar:

ClinVar aggregate classification (germline): Uncertain significance (1 of 4 stars; one submission).

Conditions:
Epidermolysis bullosa simplex 3, localized or generalized intermediate, with BP230 deficiency (EBS3). Also called: Epidermolysis bullosa simplex, autosomal recessive 2; Epidermolysis bullosa simplex due to BP230 deficiency. Identifiers: Orphanet 412181, MedGen C3809470, MONDO:0014180, OMIM 615425.
Hereditary sensory and autonomic neuropathy type 6. Also called: Neuropathy, hereditary sensory and autonomic, type VI; HSAN VI. Identifiers: Orphanet 314381, MedGen C3539003, MONDO:0013839, OMIM 614653.

Allele frequency attached by ClinVar (database versions not stated): gnomAD exomes below 0.00001; TOPMed below 0.00001; ExAC 0.00001.
gnomAD v4.1: 4 of 1,610,060 alleles (0.00025%); highest among the groups gnomAD compares: Non-Finnish European, 0.00034%; no homozygotes.

Submission:

Labcorp Genetics (formerly Invitae), Labcorp
Classification: Uncertain significance for Epidermolysis bullosa simplex 3, localized or generalized intermediate, with BP230 deficiency; Hereditary sensory and autonomic neuropathy type 6. Last evaluated: 2022-12-05. Review status: criteria provided, single submitter. Criteria: Invitae Variant Classification Sherloc (09022015). Collection method: clinical testing. Allele origin: germline.
Comment: This variant is present in population databases (rs769780483, gnomAD 0.0009%). This sequence change replaces threonine, which is neutral and polar, with isoleucine, which is neutral and non-polar, at codon 3463 of the DST protein (p.Thr3463Ile). The DST gene has multiple clinically relevant transcripts. This variant occurs in alternate transcript NM_015548.4, and corresponds to NM_001723.5:c.*98219C>T in the primary transcript. In summary, the available evidence is currently insufficient to determine the role of this variant in disease. Therefore, it has been classified as a Variant of Uncertain Significance. Experimental studies and prediction algorithms are not available or were not evaluated, and the functional significance of this variant is currently unknown. This variant has not been reported in the literature in individuals affected with DST-related conditions.

NM_001374736.1(DST):c.18257C>T (p.Thr6086Ile)

Gene: DST (dystonin; minus strand). Cytogenetic location: 6p12.1.
Variant type: single nucleotide variant.
Coding change: c.18257C>T on transcript NM_001374736.1 (MANE Select); coding-DNA position 18257, C replaced by T.
Protein change: p.Thr6086Ile; replaces threonine 6086 with isoleucine.
Molecular consequence: missense variant.
Genome position (GRCh38, 1-based): chr6:56,517,298, G>A on the plus strand (C>T on the coding strand, the complement: DST is on the minus strand). VCF-style: chr6-56517298-G-A. GRCh37 (hg19) VCF-style: chr6-56382096-G-A.
Other names: c.11900C>T, p.Thr3967Ile (NM_001144769.5); c.11486C>T, p.Thr3829Ile (NM_001144770.2); c.18257C>T, p.Thr6086Ile (NM_001374722.1); c.17297C>T, p.Thr5766Ile (NM_001374729.1); c.11039C>T, p.Thr3680Ile (NM_001374730.1); c.18284C>T, p.Thr6095Ile (NM_001374734.1); c.10388C>T, p.Thr3463Ile (NM_015548.5); c.11366C>T, p.Thr3789Ile (NM_183380.4); short protein forms T3680I, T3829I, T6095I, T3967I, T3463I, T3789I, T5766I, T6086I.
Identifiers: ClinVar variation 970304 (VCV000970304.8), dbSNP rs769780483, ClinGen allele CA3867244.
Genomic context (GRCh38, chr6:56,517,298, plus strand): 5'-ATTTTATGCCCAGATTTAACAAGGTCATCAATAATATCCTTGTGTCTCAAAATCTCCATG[G>A]TGAATGTCTGTGATTTACCAAAATAAAGACAAAAAATAAAACAAGAAATTGTATGACTAA-3'
Protein context (NP_001361665.1, residues 6076-6096): SAQLQVQKTF[Thr6086Ile]MEILRHKDII